The following is an entry in ClinVar:

NM_000059.4(BRCA2):c.8331+3223_8331+3226dup

Gene: BRCA2 (BRCA2 DNA repair associated; plus strand). Cytogenetic location: 13q13.1.
Variant type: Duplication.
Coding change: c.8331+3223_8331+3226dup on transcript NM_000059.4 (MANE Select); bases 3223 to 3226 of the intron after coding-DNA position 8331, 4 bases duplicated (AGGT; older notation c.8331+3223_8331+3226dupAGGT).
Molecular consequence: intron variant.
Genome position (GRCh38, 1-based): chr13:32,366,756-32,366,759, AGGT duplicated. VCF-style (leftmost placement, unchanged base first): chr13-32366755-G-GAGGT. GRCh37 (hg19) VCF-style: chr13-32940892-G-GAGGT.
Other names: IVS 18+3222insAGGT.
Identifiers: ClinVar variation 264935 (VCV000264935.1), dbSNP rs11571736, ClinGen allele CA276760.

ClinVar aggregate classification (germline): Benign (3 of 4 stars; one submission).

Conditions:
Breast-ovarian cancer, familial, susceptibility to, 2 (BROVCA2). Also called: BRCA2 Hereditary Breast and Ovarian Cancer. Identifiers: Orphanet 145, MedGen C2675520, MONDO:0012933, OMIM 612555. Disease mechanism: loss of function.

Allele frequency attached by ClinVar (database versions not stated): gnomAD 0.01265 and 0.01369; TOPMed 0.01414; 1000 Genomes Project 0.01418; 1000 Genomes Project 30x 0.01452.

Submission:

Evidence-based Network for the Interpretation of Germline Mutant Alleles (ENIGMA)
Classification: Benign for Breast-ovarian cancer, familial, susceptibility to, 2. Last evaluated: 2016-09-28. Review status: reviewed by expert panel. Criteria: ENIGMA BRCA1/2 Classification Criteria (2015). Collection method: curation. Allele origin: germline.
Comment: Class 1 not pathogenic based on frequency >1% in an outbred sampleset. Frequency 0.053 (African), derived from 1000 genomes (2013-05-02).